The following is an entry in ClinVar:

NM_003072.5(SMARCA4):c.163C>G (p.Pro55Ala)

Gene: SMARCA4 (SWI/SNF related BAF chromatin remodeling complex subunit ATPase 4; plus strand). Cytogenetic location: 19p13.2.
Variant type: single nucleotide variant.
Coding change: c.163C>G on transcript NM_003072.5 (MANE Select); coding-DNA position 163, C replaced by G.
Protein change: p.Pro55Ala; replaces proline 55 with alanine.
Molecular consequence: missense variant. On other transcripts: non-coding transcript variant (1).
Genome position (GRCh38, 1-based): chr19:10,984,314, C>G. VCF-style: chr19-10984314-C-G. GRCh37 (hg19) VCF-style: chr19-11094990-C-G.
Other names: c.163C>G, p.Pro55Ala (NM_001128844.3, NM_001128845.2, NM_001128846.2 and 4 more transcripts); short protein forms P55A.
Identifiers: ClinVar variation 1007671 (VCV001007671.8), dbSNP rs1218848193, ClinGen allele CA404054516.

ClinVar aggregate classification (germline): Uncertain significance (1 of 4 stars; one submission).

Conditions:
Rhabdoid tumor predisposition syndrome 2 (RTPS2). Identifiers: Orphanet 231108, Orphanet 69077, MedGen C2750074, MONDO:0013224, OMIM 613325.

gnomAD v4.1: 1 of 1,605,364 alleles (0.000062%); no homozygotes.

Submission:

Labcorp Genetics (formerly Invitae), Labcorp
Classification: Uncertain significance for Rhabdoid tumor predisposition syndrome 2. Last evaluated: 2020-06-03. Review status: criteria provided, single submitter. Criteria: Invitae Variant Classification Sherloc (09022015). Collection method: clinical testing. Allele origin: germline.
Comment: This variant has not been reported in the literature in individuals with SMARCA4-related disease. In summary, the available evidence is currently insufficient to determine the role of this variant in disease. Therefore, it has been classified as a Variant of Uncertain Significance. This variant is not present in population databases (ExAC no frequency). This sequence change replaces proline with alanine at codon 55 of the SMARCA4 protein (p.Pro55Ala). The proline residue is highly conserved and there is a small physicochemical difference between proline and alanine.